The following is an entry in ClinVar:

NM_003000.3(SDHB):c.491del (p.Gln164fs)

Gene: SDHB (succinate dehydrogenase complex iron sulfur subunit B; minus strand). Cytogenetic location: 1p36.13.
Variant type: Deletion.
Coding change: c.491del on transcript NM_003000.3 (MANE Select); coding-DNA position 491, one base deleted (A; older notation c.491delA).
Protein change: p.Gln164fs; shifts the reading frame from glutamine 164.
Molecular consequence: frameshift variant.
Genome position (GRCh38, 1-based): chr1:17,027,798, T deleted on the plus strand (A on the coding strand, the reverse complement: SDHB is on the minus strand). VCF-style (leftmost placement, unchanged base first): chr1-17027797-CT-C. GRCh37 (hg19) VCF-style: chr1-17354292-CT-C.
Other names: c.491del (NM_003000.2); c.491delA (NM_003000.2); short protein forms Q164fs.
Identifiers: ClinVar variation 528750 (VCV000528750.10), dbSNP rs1553177678, ClinGen allele CA658795404.

ClinVar aggregate classification (germline): Pathogenic. Review status: criteria provided, multiple submitters, no conflicts (2 of 4 stars). 2 submissions from 2 submitters: Pathogenic (2). Last evaluated 2025-11-11.

Conditions:
Pheochromocytoma. Also called: MAX-Related Hereditary Paraganglioma-Pheochromocytoma Syndrome. Identifiers: Orphanet 29072, MedGen C0031511, MONDO:0008233, OMIM 171300, HP:0002666.
Gastrointestinal stromal tumor. Also called: Gastrointestinal stromal tumor, somatic; Gastrointestinal stroma tumor. Identifiers: Orphanet 44890, MedGen C0238198, MeSH D046152, MONDO:0011719, OMIM 606764, HP:0100723.
Pheochromocytoma/paraganglioma syndrome 4. Also called: SDHB-Related Hereditary Paraganglioma-Pheochromocytoma Syndrome; PARAGANGLIOMA, FAMILIAL MALIGNANT; PARAGANGLIOMAS, HEREDITARY EXTRAADRENAL; PHEOCHROMOCYTOMA, FAMILIAL EXTRAADRENAL; Paragangliomas 4; CAROTID BODY TUMORS AND MULTIPLE EXTRAADRENAL PHEOCHROMOCYTOMAS. Identifiers: Orphanet 29072, MedGen C1861848, MONDO:0007273, OMIM 115310.

Submissions (2):

GeneDx
Classification: Pathogenic. Last evaluated: 2025-11-11. Review status: criteria provided, single submitter. Criteria: GeneDx Variant Classification Process June 2021. Collection method: clinical testing. Allele origin: germline. Affected: yes.
Comment: Frameshift variant predicted to result in protein truncation or nonsense mediated decay in a gene for which loss of function is a known mechanism of disease; Not observed at significant frequency in large population cohorts (gnomAD); This variant is associated with the following publications: (PMID: 35668420, 23512077)

Labcorp Genetics (formerly Invitae), Labcorp
Classification: Pathogenic for Gastrointestinal stromal tumor; Pheochromocytoma/paraganglioma syndrome 4; Pheochromocytoma. Last evaluated: 2024-04-15. Review status: criteria provided, single submitter. Criteria: Invitae Variant Classification Sherloc (09022015). Collection method: clinical testing. Allele origin: germline.
Comment: This sequence change creates a premature translational stop signal (p.Gln164Argfs*11) in the SDHB gene. It is expected to result in an absent or disrupted protein product. Loss-of-function variants in SDHB are known to be pathogenic (PMID: 19454582, 19802898). This variant is not present in population databases (gnomAD no frequency). This premature translational stop signal has been observed in individual(s) with extra adrenal paragangliomas (PMID: 23512077). ClinVar contains an entry for this variant (Variation ID: 528750). Algorithms developed to predict the effect of sequence changes on RNA splicing suggest that this variant may create or strengthen a splice site. For these reasons, this variant has been classified as Pathogenic.

Literature cited by the submitters: PubMed 19454582 (cited by Labcorp Genetics (formerly Invitae), Labcorp); PubMed 19802898 (cited by Labcorp Genetics (formerly Invitae), Labcorp); PubMed 23512077 (cited by Labcorp Genetics (formerly Invitae), Labcorp).